The following is an entry in ClinVar:

NM_024642.5(GALNT12):c.1387C>G (p.Pro463Ala)

Gene: GALNT12 (polypeptide N-acetylgalactosaminyltransferase 12; plus strand). Cytogenetic location: 9q22.33.
Variant type: single nucleotide variant.
Coding change: c.1387C>G on transcript NM_024642.5 (MANE Select); coding-DNA position 1387, C replaced by G.
Protein change: p.Pro463Ala; replaces proline 463 with alanine.
Molecular consequence: missense variant.
Genome position (GRCh38, 1-based): chr9:98,844,138, C>G. VCF-style: chr9-98844138-C-G. GRCh37 (hg19) VCF-style: chr9-101606420-C-G.
Other names: short protein forms P463A.
Identifiers: ClinVar variation 1771431 (VCV001771431.4), dbSNP rs1836359052, ClinGen allele CA374221408.

ClinVar aggregate classification (germline): Uncertain significance. Review status: criteria provided, multiple submitters, no conflicts (2 of 4 stars). 2 submissions from 2 submitters: Uncertain significance (2). Last evaluated 2024-09-01.

Conditions:
Colorectal cancer, susceptibility to, 1. Also called: COLORECTAL ADENOMA AND CANCER, SUSCEPTIBILITY TO; COLORECTAL CANCER, SUSCEPTIBILITY TO, ON CHROMOSOME 9. Identifiers: MedGen C1837315, MONDO:0012132, OMIM 608812.

Allele frequency attached by ClinVar (database versions not stated): TOPMed below 0.00001.

Submissions (2):

Ambry Genetics
Classification: Uncertain significance. Last evaluated: 2024-09-01. Review status: criteria provided, single submitter. Criteria: Ambry Variant Classification Scheme 2023. Collection method: clinical testing. Allele origin: germline.
Comment: The p.P463A variant (also known as c.1387C>G), located in coding exon 8 of the GALNT12 gene, results from a C to G substitution at nucleotide position 1387. The proline at codon 463 is replaced by alanine, an amino acid with highly similar properties. This amino acid position is conserved. In addition, this alteration is predicted to be tolerated by in silico analysis. Since supporting evidence is limited at this time, the clinical significance of this alteration remains unclear.

Baylor Genetics
Classification: Uncertain significance for Colorectal cancer, susceptibility to, 1. Last evaluated: 2023-05-31. Review status: criteria provided, single submitter. Criteria: ACMG Guidelines, 2015. Collection method: clinical testing. Allele origin: unknown.